The following is an entry in ClinVar:

NM_000562.3(C8A):c.1293C>T (p.Ser431=)

Gene: C8A (complement C8 alpha chain; plus strand). Cytogenetic location: 1p32.2.
Variant type: single nucleotide variant.
Coding change: c.1293C>T on transcript NM_000562.3 (MANE Select); coding-DNA position 1293, C replaced by T.
Protein change: p.Ser431=; no amino-acid change (serine 431 retained).
Molecular consequence: synonymous variant.
Genome position (GRCh38, 1-based): chr1:56,908,026, C>T. VCF-style: chr1-56908026-C-T. GRCh37 (hg19) VCF-style: chr1-57373699-C-T.
Identifiers: ClinVar variation 1593799 (VCV001593799.24), dbSNP rs757671432, ClinGen allele CA875320.

ClinVar aggregate classification (germline): Likely benign. Review status: criteria provided, multiple submitters, no conflicts (2 of 4 stars). 2 submissions from 2 submitters: Likely benign (2). Last evaluated 2025-10-09.

Allele frequency attached by ClinVar (database versions not stated): gnomAD exomes 0.00006; ExAC 0.00011.
gnomAD v4.1: 58 of 1,613,958 alleles (0.0036%); highest among the groups gnomAD compares: Non-Finnish European, 0.0042%; no homozygotes.

Submissions (2):

Labcorp Genetics (formerly Invitae), Labcorp
Classification: Likely benign. Last evaluated: 2025-10-09. Review status: criteria provided, single submitter. Criteria: Invitae Variant Classification Sherloc (09022015). Collection method: clinical testing. Allele origin: germline.

CeGaT Center for Human Genetics Tuebingen
Classification: Likely benign. Last evaluated: 2024-08-01. Review status: criteria provided, single submitter. Criteria: CeGaT Center For Human Genetics Tuebingen Variant Classification Criteria Version 2. Collection method: clinical testing. Allele origin: germline. Affected: yes. Observed: 1 variant allele.
Comment: C8A: BP4, BP7